The following is an entry in ClinVar:

ClinVar aggregate classification (germline): Uncertain significance (1 of 4 stars; one submission).

Allele frequency attached by ClinVar (database versions not stated): gnomAD exomes 0.00001; TOPMed 0.00002.

Submission:

Labcorp Genetics (formerly Invitae), Labcorp
Classification: Uncertain significance. Last evaluated: 2022-09-23. Review status: criteria provided, single submitter. Criteria: Invitae Variant Classification Sherloc (09022015). Collection method: clinical testing. Allele origin: germline.
Comment: In summary, the available evidence is currently insufficient to determine the role of this variant in disease. Therefore, it has been classified as a Variant of Uncertain Significance. Algorithms developed to predict the effect of missense changes on protein structure and function output the following: SIFT: "Tolerated"; PolyPhen-2: "Benign"; Align-GVGD: "Class C0". The valine amino acid residue is found in multiple mammalian species, which suggests that this missense change does not adversely affect protein function. This variant has not been reported in the literature in individuals affected with CCT2-related conditions. This variant is present in population databases (no rsID available, gnomAD 0.01%). This sequence change replaces alanine, which is neutral and non-polar, with valine, which is neutral and non-polar, at codon 210 of the CCT2 protein (p.Ala210Val).

NM_006431.3(CCT2):c.629C>T (p.Ala210Val)

Gene: CCT2 (chaperonin containing TCP1 subunit 2; plus strand). Cytogenetic location: 12q15.
Variant type: single nucleotide variant.
Coding change: c.629C>T on transcript NM_006431.3 (MANE Select); coding-DNA position 629, C replaced by T.
Protein change: p.Ala210Val; replaces alanine 210 with valine.
Molecular consequence: missense variant.
Genome position (GRCh38, 1-based): chr12:69,589,667, C>T. VCF-style: chr12-69589667-C-T. GRCh37 (hg19) VCF-style: chr12-69983447-C-T.
Other names: c.488C>T, p.Ala163Val (NM_001198842.2); short protein forms A163V, A210V.
Identifiers: ClinVar variation 1720173 (VCV001720173.5), dbSNP rs1183784429, ClinGen allele CA385727236.